The following is an entry in ClinVar:

NM_001365276.2(TNXB):c.9407G>A (p.Arg3136His)

Gene: TNXB (tenascin XB; minus strand). Cytogenetic location: 6p21.33.
Variant type: single nucleotide variant.
Coding change: c.9407G>A on transcript NM_001365276.2 (MANE Select); coding-DNA position 9407, G replaced by A.
Protein change: p.Arg3136His; replaces arginine 3136 with histidine.
Molecular consequence: missense variant.
Genome position (GRCh38, 1-based): chr6:32,050,030, C>T on the plus strand (G>A on the coding strand, the complement: TNXB is on the minus strand). VCF-style: chr6-32050030-C-T. GRCh37 (hg19) VCF-style: chr6-32017807-C-T.
Other names: c.9401G>A, p.Arg3134His (NM_019105.8); short protein forms R3136H, R3134H.
Identifiers: ClinVar variation 3327899 (VCV003327899.2).
Genomic context (GRCh38, chr6:32,050,030, plus strand): 5'-CACCCTGGGGCTCCCATCATTCACTCACCCGTCACCCCAATGGCAGACACAGGGCCTACG[C>T]GCTGGCCACCGTGGAAGCCGTACAGGTTCATCTTGTATTTATGGTCTGGCTCCAGGCCTG-3'
Protein context (NP_001352205.1, residues 3126-3146): MNLYGFHGGQ[Arg3136His]VGPVSAIGVT

ClinVar aggregate classification (germline): Uncertain significance (1 of 4 stars; one submission).

Conditions:
Cardiovascular phenotype. Identifiers: MedGen CN230736.

gnomAD v4.1: 42 of 1,613,840 alleles (0.0026%); highest among the groups gnomAD compares: East Asian, 0.0045%; no homozygotes.

Submission:

Ambry Genetics
Classification: Uncertain significance for Cardiovascular phenotype. Last evaluated: 2026-07-23. Review status: criteria provided, single submitter. Criteria: Ambry Variant Classification Scheme 2023. Collection method: clinical testing. Allele origin: germline.
Comment: The c.9401G>A (p.R3134H) alteration is located in exon 27 (coding exon 26) of the TNXB gene. This alteration results from a G to A substitution at nucleotide position 9401, causing the arginine (R) at amino acid position 3134 to be replaced by a histidine (H). Based on data from gnomAD, the A allele has an overall frequency of 0.002% (4/246370) total alleles studied. The highest observed frequency was 0.006% (1/17948) of East Asian alleles. Based on insufficient or conflicting evidence, the clinical significance of this alteration remains unclear.